The following is an entry in ClinVar:

ClinVar aggregate classification (germline): Uncertain significance. Review status: criteria provided, multiple submitters, no conflicts (2 of 4 stars). 2 submissions from 2 submitters: Uncertain significance (2). Last evaluated 2023-10-28.

Allele frequency attached by ClinVar (database versions not stated): gnomAD 0.00004; TOPMed 0.00005; ExAC 0.00007; gnomAD exomes 0.00007; ESP Exome Variant Server 0.00008.
gnomAD v4.1: 105 of 1,614,010 alleles (0.0065%); highest among the groups gnomAD compares: Non-Finnish European, 0.0048%; no homozygotes.

Submissions (2):

Labcorp Genetics (formerly Invitae), Labcorp
Classification: Uncertain significance. Last evaluated: 2023-10-28. Review status: criteria provided, single submitter. Criteria: Invitae Variant Classification Sherloc (09022015). Collection method: clinical testing. Allele origin: germline.
Comment: This sequence change replaces histidine, which is basic and polar, with tyrosine, which is neutral and polar, at codon 12 of the TMPRSS15 protein (p.His12Tyr). This variant is present in population databases (rs139413914, gnomAD 0.1%). This variant has not been reported in the literature in individuals affected with TMPRSS15-related conditions. ClinVar contains an entry for this variant (Variation ID: 2162567). An algorithm developed to predict the effect of missense changes on protein structure and function (PolyPhen-2) suggests that this variant¬†is likely to be tolerated. In summary, the available evidence is currently insufficient to determine the role of this variant in disease. Therefore, it has been classified as a Variant of Uncertain Significance.

Ambry Genetics
Classification: Uncertain significance. Last evaluated: 2022-01-27. Review status: criteria provided, single submitter. Criteria: Ambry Variant Classification Scheme 2023. Collection method: clinical testing. Allele origin: germline.

NM_002772.3(TMPRSS15):c.34C>T (p.His12Tyr)

Gene: TMPRSS15 (transmembrane serine protease 15; minus strand). Cytogenetic location: 21q21.1.
Variant type: single nucleotide variant.
Coding change: c.34C>T on transcript NM_002772.3 (MANE Select); coding-DNA position 34, C replaced by T.
Protein change: p.His12Tyr; replaces histidine 12 with tyrosine.
Molecular consequence: missense variant.
Genome position (GRCh38, 1-based): chr21:18,403,589, G>A on the plus strand (C>T on the coding strand, the complement: TMPRSS15 is on the minus strand). VCF-style: chr21-18403589-G-A. GRCh37 (hg19) VCF-style: chr21-19775906-G-A.
Other names: c.34C>T (NM_002772.2); short protein forms H12Y.
Identifiers: ClinVar variation 2162567 (VCV002162567.3), dbSNP rs139413914, ClinGen allele CA9984883.